The following is an entry in ClinVar:

ClinVar aggregate classification (germline): Uncertain significance (1 of 4 stars; one submission).

Submission:

Labcorp Genetics (formerly Invitae), Labcorp
Classification: Uncertain significance. Last evaluated: 2021-12-24. Review status: criteria provided, single submitter. Criteria: Invitae Variant Classification Sherloc (09022015). Collection method: clinical testing. Allele origin: germline.
Comment: In summary, the available evidence is currently insufficient to determine the role of this variant in disease. Therefore, it has been classified as a Variant of Uncertain Significance. Algorithms developed to predict the effect of sequence changes on RNA splicing suggest that this variant may disrupt the consensus splice site. This variant has not been reported in the literature in individuals affected with CTDP1-related conditions. This variant is not present in population databases (gnomAD no frequency). This sequence change affects an acceptor splice site in intron 2 of the CTDP1 gene. It is expected to disrupt RNA splicing. Variants that disrupt the donor or acceptor splice site typically lead to a loss of protein function (PMID: 16199547), however the current clinical and genetic evidence is not sufficient to establish whether loss-of-function variants in CTDP1 cause disease.

Literature cited by the submitters: PubMed 16199547.

NM_004715.5(CTDP1):c.399-1G>A

Gene: CTDP1 (CTD phosphatase subunit 1; plus strand). Cytogenetic location: 18q23.
Variant type: single nucleotide variant.
Coding change: c.399-1G>A on transcript NM_004715.5 (MANE Select); the canonical splice acceptor site of the intron before coding-DNA position 399, G replaced by A.
Molecular consequence: splice acceptor variant.
Genome position (GRCh38, 1-based): chr18:79,695,976, G>A. VCF-style: chr18-79695976-G-A. GRCh37 (hg19) VCF-style: chr18-77455976-G-A.
Other names: c.399-1G>A (NM_001318511.2, NM_048368.4); c.42-1G>A (NM_001202504.1).
Identifiers: ClinVar variation 2059098 (VCV002059098.4), dbSNP rs2512028198, ClinGen allele CA402828486.